The following is an entry in ClinVar:

NM_004174.4(SLC9A3):c.1330G>A (p.Val444Ile)

Gene: SLC9A3 (solute carrier family 9 member A3). Cytogenetic location: 5p15.33.
Variant type: single nucleotide variant.
Coding change: c.1330G>A on transcript NM_004174.4 (MANE Select); coding-DNA position 1330, G replaced by A.
Protein change: p.Val444Ile; replaces valine 444 with isoleucine.
Molecular consequence: missense variant.
Genome position (GRCh38, 1-based): chr5:482,574, C>T on the plus strand (G>A on the coding strand, the complement: SLC9A3 is on the minus strand). VCF-style: chr5-482574-C-T. GRCh37 (hg19) VCF-style: chr5-482689-C-T.
Other names: c.1330G>A, p.Val444Ile (NM_001284351.3); short protein forms V444I.
Identifiers: ClinVar variation 2279941 (VCV002279941.4), dbSNP rs1274861552, ClinGen allele CA359027215.

ClinVar aggregate classification (germline): Uncertain significance. Review status: criteria provided, multiple submitters, no conflicts (2 of 4 stars). 2 submissions from 2 submitters: Uncertain significance (2). Last evaluated 2022-12-21.

Conditions:
Inborn genetic diseases. Identifiers: MedGen C0950123, MeSH D030342.

Allele frequency attached by ClinVar (database versions not stated): gnomAD 0.00001; gnomAD exomes 0.00002; TOPMed 0.00002.
gnomAD v4.1: 27 of 1,612,654 alleles (0.0017%); highest among the groups gnomAD compares: South Asian, 0.0033%; no homozygotes.

Submissions (2):

Labcorp Genetics (formerly Invitae), Labcorp
Classification: Uncertain significance. Last evaluated: 2022-12-21. Review status: criteria provided, single submitter. Criteria: Invitae Variant Classification Sherloc (09022015). Collection method: clinical testing. Allele origin: germline.
Comment: This sequence change replaces valine, which is neutral and non-polar, with isoleucine, which is neutral and non-polar, at codon 444 of the SLC9A3 protein (p.Val444Ile). The frequency data for this variant in the population databases is considered unreliable, as metrics indicate poor data quality at this position in the gnomAD database. This variant has not been reported in the literature in individuals affected with SLC9A3-related conditions. Advanced modeling of protein sequence and biophysical properties (such as structural, functional, and spatial information, amino acid conservation, physicochemical variation, residue mobility, and thermodynamic stability) performed at Invitae indicates that this missense variant is not expected to disrupt SLC9A3 protein function. In summary, the available evidence is currently insufficient to determine the role of this variant in disease. Therefore, it has been classified as a Variant of Uncertain Significance.

Ambry Genetics
Classification: Uncertain significance for Inborn genetic diseases. Last evaluated: 2022-03-29. Review status: criteria provided, single submitter. Criteria: Ambry Variant Classification Scheme 2023. Collection method: clinical testing. Allele origin: germline.